The following is an entry in ClinVar:

NM_001166108.2(PALLD):c.1333A>G (p.Lys445Glu)

Gene: PALLD (palladin, cytoskeletal associated protein; plus strand). Cytogenetic location: 4q32.3.
Variant type: single nucleotide variant.
Coding change: c.1333A>G on transcript NM_001166108.2 (MANE Select); coding-DNA position 1333, A replaced by G.
Protein change: p.Lys445Glu; replaces lysine 445 with glutamic acid.
Molecular consequence: missense variant.
Genome position (GRCh38, 1-based): chr4:168,685,557, A>G. VCF-style: chr4-168685557-A-G. GRCh37 (hg19) VCF-style: chr4-169606708-A-G.
Other names: c.187A>G, p.Lys63Glu (NM_001166109.2); c.1333A>G, p.Lys445Glu (NM_016081.4); short protein forms K445E, K63E.
Identifiers: ClinVar variation 2497019 (VCV002497019.2), dbSNP rs752615214, ClinGen allele CA3135573.

ClinVar aggregate classification (germline): Uncertain significance (1 of 4 stars; one submission).

Allele frequency attached by ClinVar (database versions not stated): TOPMed below 0.00001; ExAC 0.00001; gnomAD 0.00001.
gnomAD v4.1: 1 of 1,598,582 alleles (0.000063%); highest among the groups gnomAD compares: African/African-American, 0.0013%; no homozygotes.

Submission:

Ambry Genetics
Classification: Uncertain significance. Last evaluated: 2023-02-19. Review status: criteria provided, single submitter. Criteria: Ambry Variant Classification Scheme 2023. Collection method: clinical testing. Allele origin: germline.
Comment: The p.K445E variant (also known as c.1333A>G), located in coding exon 5 of the PALLD gene, results from an A to G substitution at nucleotide position 1333. The lysine at codon 445 is replaced by glutamic acid, an amino acid with similar properties. This amino acid position is conserved. In addition, this alteration is predicted to be deleterious by in silico analysis. Since supporting evidence is limited at this time, the clinical significance of this alteration remains unclear.